The following is an entry in ClinVar:

ClinVar aggregate classification (germline): Uncertain significance (1 of 4 stars; one submission).

Conditions:
Familial focal epilepsy with variable foci (FPEVF). Identifiers: Orphanet 98820, MedGen C1858477, MONDO:0020310.

Allele frequency attached by ClinVar (database versions not stated): gnomAD exomes below 0.00001.
gnomAD v4.1: 1 of 1,614,170 alleles (0.000062%); highest among the groups gnomAD compares: Admixed American, 0.0017%; no homozygotes.

Submission:

Labcorp Genetics (formerly Invitae), Labcorp
Classification: Uncertain significance for Familial focal epilepsy with variable foci. Last evaluated: 2022-09-30. Review status: criteria provided, single submitter. Criteria: Invitae Variant Classification Sherloc (09022015). Collection method: clinical testing. Allele origin: germline.
Comment: In summary, the available evidence is currently insufficient to determine the role of this variant in disease. Therefore, it has been classified as a Variant of Uncertain Significance. Algorithms developed to predict the effect of sequence changes on RNA splicing suggest that this variant may disrupt the consensus splice site. This variant has not been reported in the literature in individuals affected with DEPDC5-related conditions. This variant is present in population databases (no rsID available, gnomAD 0.003%). This sequence change affects codon 1440 of the DEPDC5 mRNA. It is a 'silent' change, meaning that it does not change the encoded amino acid sequence of the DEPDC5 protein.

NM_001242896.3(DEPDC5):c.4320C>T (p.Phe1440=)

Gene: DEPDC5 (DEP domain containing 5, GATOR1 subcomplex subunit; plus strand). Cytogenetic location: 22q12.3.
Variant type: single nucleotide variant.
Coding change: c.4320C>T on transcript NM_001242896.3 (MANE Select); coding-DNA position 4320, C replaced by T.
Protein change: p.Phe1440=; no amino-acid change (phenylalanine 1440 retained).
Molecular consequence: synonymous variant. On other transcripts: non-coding transcript variant (5).
Genome position (GRCh38, 1-based): chr22:31,897,598, C>T. VCF-style: chr22-31897598-C-T. GRCh37 (hg19) VCF-style: chr22-32293584-C-T.
Other names: c.4293C>T, p.Phe1431= (NM_001136029.4); c.4020C>T, p.Phe1340= (NM_001242897.2); c.4254C>T, p.Phe1418= (NM_001363852.2, NM_001364320.2); c.4086C>T, p.Phe1362= (NM_001363854.2, NM_001364319.2); c.4320C>T, p.Phe1440= (NM_001364318.2); c.4236C>T, p.Phe1412= (NM_001369901.1, NM_001369902.1); c.4227C>T, p.Phe1409= (NM_001369903.1, NM_014662.6).
Identifiers: ClinVar variation 2119475 (VCV002119475.4), dbSNP rs1434494187, ClinGen allele CA514271260.